The following is an entry in ClinVar:

ClinVar aggregate classification (germline): Conflicting classifications of pathogenicity. Review status: criteria provided, conflicting classifications (1 of 4 stars). 3 submissions from 3 submitters: Uncertain significance (1); Likely benign (2). Last evaluated 2024-04-03.

Conditions:
Developmental and epileptic encephalopathy, 12 (DEE12). Identifiers: MedGen C3150988, MONDO:0013389, OMIM 613722.
Microcephaly, seizures, and developmental delay. Identifiers: Orphanet 1934, MedGen C3150667, MONDO:0013254, OMIM 613402.

Allele frequency attached by ClinVar (database versions not stated): TOPMed 0.00001; ExAC 0.00002; gnomAD exomes 0.00002; ESP Exome Variant Server 0.00008.
gnomAD v4.1: 19 of 1,614,166 alleles (0.0012%); highest among the groups gnomAD compares: Non-Finnish European, 0.00017%; no homozygotes.

Submissions (3):

Labcorp Genetics (formerly Invitae), Labcorp
Classification: Likely benign for Developmental and epileptic encephalopathy, 12. Last evaluated: 2024-04-03. Review status: criteria provided, single submitter. Criteria: Invitae Variant Classification Sherloc (09022015). Collection method: clinical testing. Allele origin: germline.

Illumina Laboratory Services, Illumina
Classification: Uncertain significance for Microcephaly, seizures, and developmental delay. Last evaluated: 2018-01-12. Review status: criteria provided, single submitter. Criteria: ICSL Variant Classification Criteria 13 December 2019. Collection method: clinical testing. Allele origin: germline.

GeneDx
Classification: Likely benign. Last evaluated: 2016-03-30. Review status: criteria provided, single submitter. Criteria: GeneDx Variant Classification (06012015). Collection method: clinical testing. Allele origin: germline. Affected: yes.
Comment: This variant is considered likely benign or benign based on one or more of the following criteria: it is a conservative change, it occurs at a poorly conserved position in the protein, it is predicted to be benign by multiple in silico algorithms, and/or has population frequency not consistent with disease.

NM_007254.4(PNKP):c.1158C>G (p.Leu386=)

Gene: PNKP (polynucleotide kinase 3'-phosphatase; minus strand). Cytogenetic location: 19q13.33.
Variant type: single nucleotide variant.
Coding change: c.1158C>G on transcript NM_007254.4 (MANE Select); coding-DNA position 1158, C replaced by G.
Protein change: p.Leu386=; no amino-acid change (leucine 386 retained).
Molecular consequence: synonymous variant.
Genome position (GRCh38, 1-based): chr19:49,862,074, G>C on the plus strand (C>G on the coding strand, the complement: PNKP is on the minus strand). VCF-style: chr19-49862074-G-C. GRCh37 (hg19) VCF-style: chr19-50365331-G-C.
Identifiers: ClinVar variation 384948 (VCV000384948.9), dbSNP rs373766090, ClinGen allele CA9586569.